The following is an entry in ClinVar:

ClinVar aggregate classification (germline): Likely benign. Review status: criteria provided, multiple submitters, no conflicts (2 of 4 stars). 3 submissions from 3 submitters: Likely benign (2). 1 of the submissions does not count toward it. Last evaluated 2025-09-30.

Conditions:
CEP120-related disorder. Also called: CEP120-Related Disorders; CEP120-related condition.
Short-rib thoracic dysplasia 13 with or without polydactyly (SRTD13). Identifiers: Orphanet 474, MedGen C4225378, MONDO:0014577, OMIM 616300.

Allele frequency attached by ClinVar (database versions not stated): gnomAD 0.00004 and 0.00007; ESP Exome Variant Server 0.00008.
gnomAD v4.1: 232 of 1,613,576 alleles (0.014%); highest among the groups gnomAD compares: Non-Finnish European, 0.018%; no homozygotes.

Submissions (3):

Labcorp Genetics (formerly Invitae), Labcorp
Classification: Likely benign for Short-rib thoracic dysplasia 13 with or without polydactyly. Last evaluated: 2025-09-30. Review status: criteria provided, single submitter. Criteria: Invitae Variant Classification Sherloc (09022015). Collection method: clinical testing. Allele origin: germline.

Blueprint Genetics
Classification: Likely benign. Last evaluated: 2023-08-11. Review status: criteria provided, single submitter. Criteria: ACMG Guidelines, 2015. Collection method: clinical testing. Allele origin: germline.

PreventionGenetics, part of Exact Sciences
Classification: Likely benign for CEP120-related condition. Last evaluated: 2023-06-30. Review status: no assertion criteria provided. Collection method: clinical testing. Allele origin: germline. Not counted in ClinVar's aggregate classification.
Comment: This variant is classified as likely benign based on ACMG/AMP sequence variant interpretation guidelines (Richards et al. 2015 PMID: 25741868, with internal and published modifications).

NM_001375405.1(CEP120):c.2889C>T (p.His963=)

Gene: CEP120 (centrosomal protein 120; minus strand). Cytogenetic location: 5q23.2.
Variant type: single nucleotide variant.
Coding change: c.2889C>T on transcript NM_001375405.1 (MANE Select); coding-DNA position 2889, C replaced by T.
Protein change: p.His963=; no amino-acid change (histidine 963 retained).
Molecular consequence: synonymous variant. On other transcripts: 3 prime UTR variant (1), non-coding transcript variant (1).
Genome position (GRCh38, 1-based): chr5:123,346,591, G>A on the plus strand (C>T on the coding strand, the complement: CEP120 is on the minus strand). VCF-style: chr5-123346591-G-A. GRCh37 (hg19) VCF-style: chr5-122682285-G-A.
Other names: c.2889C>T (NM_153223.3); c.2811C>T, p.His937= (NM_001166226.2); c.2754C>T, p.His918= (NM_001375406.1); c.*158C>T (NM_001375407.1); c.2316C>T, p.His772= (NM_001375408.1, NM_001375409.1); c.2889C>T, p.His963= (NM_153223.4).
Identifiers: ClinVar variation 1533046 (VCV001533046.11), dbSNP rs142459804, ClinGen allele CA3386503.